The following is an entry in ClinVar:

NM_001365480.1(CCDC88A):c.1444A>G (p.Thr482Ala)

Gene: CCDC88A (coiled-coil and HOOK domain protein 88A; minus strand). Cytogenetic location: 2p16.1.
Variant type: single nucleotide variant.
Coding change: c.1444A>G on transcript NM_001365480.1 (MANE Select); coding-DNA position 1444, A replaced by G.
Protein change: p.Thr482Ala; replaces threonine 482 with alanine.
Molecular consequence: missense variant.
Genome position (GRCh38, 1-based): chr2:55,339,538, T>C on the plus strand (A>G on the coding strand, the complement: CCDC88A is on the minus strand). VCF-style: chr2-55339538-T-C. GRCh37 (hg19) VCF-style: chr2-55566674-T-C.
Other names: c.1444A>G (NM_001135597.1); c.1444A>G, p.Thr482Ala (NM_001135597.2, NM_001254943.2, NM_018084.5); short protein forms T482A.
Identifiers: ClinVar variation 2198758 (VCV002198758.3), dbSNP rs761981508, ClinGen allele CA1666146.

ClinVar aggregate classification (germline): Uncertain significance. Review status: criteria provided, multiple submitters, no conflicts (2 of 4 stars). 2 submissions from 2 submitters: Uncertain significance (2). Last evaluated 2025-08-08.

Allele frequency attached by ClinVar (database versions not stated): gnomAD exomes 0.00001; ExAC 0.00002; TOPMed 0.00002; gnomAD 0.00004.
gnomAD v4.1: 20 of 1,613,636 alleles (0.0012%); highest among the groups gnomAD compares: Non-Finnish European, 0.0017%; no homozygotes.

Submissions (2):

Ambry Genetics
Classification: Uncertain significance. Last evaluated: 2025-08-08. Review status: criteria provided, single submitter. Criteria: Ambry Variant Classification Scheme 2023. Collection method: clinical testing. Allele origin: germline.

Labcorp Genetics (formerly Invitae), Labcorp
Classification: Uncertain significance. Last evaluated: 2022-08-27. Review status: criteria provided, single submitter. Criteria: Invitae Variant Classification Sherloc (09022015). Collection method: clinical testing. Allele origin: germline.
Comment: In summary, the available evidence is currently insufficient to determine the role of this variant in disease. Therefore, it has been classified as a Variant of Uncertain Significance. Algorithms developed to predict the effect of missense changes on protein structure and function output the following: SIFT: "Deleterious"; PolyPhen-2: "Benign"; Align-GVGD: "Class C0". The alanine amino acid residue is found in multiple mammalian species, which suggests that this missense change does not adversely affect protein function. This variant has not been reported in the literature in individuals affected with CCDC88A-related conditions. This variant is present in population databases (rs761981508, gnomAD 0.002%). This sequence change replaces threonine, which is neutral and polar, with alanine, which is neutral and non-polar, at codon 482 of the CCDC88A protein (p.Thr482Ala).